The following is an entry in ClinVar:

ClinVar aggregate classification (germline): Likely benign (1 of 4 stars; one submission).

Conditions:
Cortical dysplasia-focal epilepsy syndrome (PTHSL1). Also called: Pitt-Hopkins-like syndrome 1. Identifiers: Orphanet 163681, Orphanet 221150, MedGen C2750246, MONDO:0012400, OMIM 610042.

Allele frequency attached by ClinVar (database versions not stated): TOPMed 0.00212; 1000 Genomes Project 30x 0.00219; 1000 Genomes Project 0.00220.

Submission:

Illumina Laboratory Services, Illumina
Classification: Likely benign for Cortical dysplasia-focal epilepsy syndrome. Last evaluated: 2018-01-13. Review status: criteria provided, single submitter. Criteria: ICSL Variant Classification Criteria 13 December 2019. Collection method: clinical testing. Allele origin: germline.
Comment: This variant was observed in the ICSL laboratory as part of a predisposition screen in an ostensibly healthy population. It had not been previously curated by ICSL or reported in the Human Gene Mutation Database (HGMD: prior to June 1st, 2018), and was therefore a candidate for classification through an automated scoring system. Utilizing variant allele frequency, disease prevalence and penetrance estimates, and inheritance mode, an automated score was calculated to assess if this variant is too frequent to cause the disease. Based on the score and internal cut-off values, a variant classified as likely benign is not then subjected to further curation. The score for this variant resulted in a classification of likely benign for this disease.

NM_014141.6(CNTNAP2):c.*2260C>A

Gene: CNTNAP2 (contactin associated protein 2; plus strand). Cytogenetic location: 7q36.1.
Variant type: single nucleotide variant.
Coding change: c.*2260C>A on transcript NM_014141.6 (MANE Select); 2260 bases downstream of the stop codon, C replaced by A.
Molecular consequence: 3 prime UTR variant.
Genome position (GRCh38, 1-based): chr7:148,417,876, C>A. VCF-style: chr7-148417876-C-A. GRCh37 (hg19) VCF-style: chr7-148114968-C-A.
Identifiers: ClinVar variation 909534 (VCV000909534.4), dbSNP rs186600344, ClinGen allele CA168857121.